The following is an entry in ClinVar:

NC_000013.10:g.(?_94482407)_(94482798_?)del

Gene: GPC6 (glypican 6; plus strand). Cytogenetic location: 13q31.3.
Variant type: Deletion.
Identifiers: ClinVar variation 1072242 (VCV001072242.7).

ClinVar aggregate classification (germline): Pathogenic (1 of 4 stars; one submission).

Submission:

Labcorp Genetics (formerly Invitae), Labcorp
Classification: Pathogenic. Last evaluated: 2017-09-16. Review status: criteria provided, single submitter. Criteria: Invitae Variant Classification Sherloc (09022015). Collection method: clinical testing. Allele origin: germline.
Comment: For these reasons, this variant has been classified as Pathogenic. Loss-of-function variants in GPC6 are known to be pathogenic (PMID: 19481194). Homozygous deletions of exon 3 have been reported in individuals affected with omodysplasia (PMID: 19481194) This variant is an out-of-frame deletion of the genomic region encompassing exon 3 of the GPC6 gene. This is expected to create a premature translational stop signal and result in an absent or disrupted protein product.

Literature cited by the submitters: PubMed 19481194.